The following is an entry in ClinVar:

ClinVar aggregate classification (germline): Conflicting classifications of pathogenicity. Review status: criteria provided, conflicting classifications (1 of 4 stars). 4 submissions from 4 submitters: Uncertain significance (2); Likely benign (2). Last evaluated 2026-02-12.

gnomAD v4.1: 362 of 1,613,860 alleles (0.022%); highest among the groups gnomAD compares: South Asian, 0.023%; no homozygotes.

Submissions (4):

GeneDx
Classification: Uncertain significance. Last evaluated: 2026-02-12. Review status: criteria provided, single submitter. Criteria: GeneDx Variant Classification Process June 2021. Collection method: clinical testing. Allele origin: germline.
Comment: In silico analysis supports that this missense variant has a deleterious effect on protein structure/function; Has not been previously published as pathogenic or benign to our knowledge

Blueprint Genetics
Classification: Likely benign. Last evaluated: 2024-08-05. Review status: criteria provided, single submitter. Criteria: ACMG Guidelines, 2015. Collection method: clinical testing. Allele origin: germline.

Labcorp Genetics (formerly Invitae), Labcorp
Classification: Likely benign. Last evaluated: 2024-03-07. Review status: criteria provided, single submitter. Criteria: Invitae Variant Classification Sherloc (09022015). Collection method: clinical testing. Allele origin: germline.

Laboratory for Molecular Medicine, Mass General Brigham Personalized Medicine
Classification: Uncertain significance. Last evaluated: 2013-06-18. Review status: criteria provided, single submitter. Criteria: LMM Criteria. Collection method: clinical testing. Allele origin: germline. Observed: 1 variant allele.
Comment: Variant classified as Uncertain Significance - Favor Benign. The Ser399Gly varia nt in PCDH15 has not been reported in the literature nor previously identified b y our laboratory. This variant is reported in dbSNP without frequency informatio n (dbSNP rs199786639). Computational analyses (biochemical amino acid properties , conservation, AlignGVGD, PolyPhen2, and SIFT) suggest that the Ser399Gly varia nt may not impact the protein, though this information is not predictive enough to rule out pathogenicity. In summary, the clinical significance of this variant cannot be determined with certainty; however based upon the computation predict ions, we would lean towards a more likely benign role.

NM_001384140.1(PCDH15):c.1195A>G (p.Ser399Gly)

Gene: PCDH15 (protocadherin related 15; minus strand). Cytogenetic location: 10q21.1.
Variant type: single nucleotide variant.
Coding change: c.1195A>G on transcript NM_001384140.1 (MANE Select); coding-DNA position 1195, A replaced by G.
Protein change: p.Ser399Gly; replaces serine 399 with glycine.
Molecular consequence: missense variant.
Genome position (GRCh38, 1-based): chr10:54,195,793, T>C on the plus strand (A>G on the coding strand, the complement: PCDH15 is on the minus strand). VCF-style: chr10-54195793-T-C. GRCh37 (hg19) VCF-style: chr10-55955553-T-C.
Other names: c.1210A>G, p.Ser404Gly (NM_001142763.2, NM_001142769.4, NM_001142771.2); c.1195A>G, p.Ser399Gly (NM_001142764.2, NM_001142765.2, NM_001142766.2 and 7 more transcripts); c.1084A>G, p.Ser362Gly (NM_001142767.2); c.1129A>G, p.Ser377Gly (NM_001142768.2, NM_001142773.2, NM_001354404.2); short protein forms S399G, S377G, S404G, S362G.
Identifiers: ClinVar variation 164928 (VCV000164928.15), dbSNP rs199786639, ClinGen allele CA177603.